The following is an entry in ClinVar:

ClinVar aggregate classification (germline): Uncertain significance (1 of 4 stars; one submission).

Allele frequency attached by ClinVar (database versions not stated): gnomAD 0.00001; gnomAD exomes 0.00001; ExAC 0.00002; TOPMed 0.00006.
gnomAD v4.1: 10 of 1,612,896 alleles (0.00062%); highest among the groups gnomAD compares: Admixed American, 0.015%; no homozygotes.

Submission:

Labcorp Genetics (formerly Invitae), Labcorp
Classification: Uncertain significance. Last evaluated: 2025-07-07. Review status: criteria provided, single submitter. Criteria: Invitae Variant Classification Sherloc (09022015). Collection method: clinical testing. Allele origin: germline.
Comment: This sequence change replaces aspartic acid, which is acidic and polar, with tyrosine, which is neutral and polar, at codon 73 of the INTU protein (p.Asp73Tyr). This variant is present in population databases (rs773232305, gnomAD 0.03%). This variant has not been reported in the literature in individuals affected with INTU-related conditions. ClinVar contains an entry for this variant (Variation ID: 2182304). Invitae Evidence Modeling of protein sequence and biophysical properties (such as structural, functional, and spatial information, amino acid conservation, physicochemical variation, residue mobility, and thermodynamic stability) indicates that this missense variant is not expected to disrupt INTU protein function with a negative predictive value of 80%. In summary, the available evidence is currently insufficient to determine the role of this variant in disease. Therefore, it has been classified as a Variant of Uncertain Significance.

NM_015693.4(INTU):c.217G>T (p.Asp73Tyr)

Gene: INTU (inturned planar cell polarity protein; plus strand). Cytogenetic location: 4q28.1.
Variant type: single nucleotide variant.
Coding change: c.217G>T on transcript NM_015693.4 (MANE Select); coding-DNA position 217, G replaced by T.
Protein change: p.Asp73Tyr; replaces aspartic acid 73 with tyrosine.
Molecular consequence: missense variant.
Genome position (GRCh38, 1-based): chr4:127,643,591, G>T. VCF-style: chr4-127643591-G-T. GRCh37 (hg19) VCF-style: chr4-128564746-G-T.
Other names: short protein forms D73Y.
Identifiers: ClinVar variation 2182304 (VCV002182304.4), dbSNP rs773232305, ClinGen allele CA3074747.